The following is an entry in ClinVar:

NM_001128126.3(AP4S1):c.-71-275A>G

Gene: AP4S1 (adaptor related protein complex 4 subunit sigma 1; plus strand). Cytogenetic location: 14q12.
Variant type: single nucleotide variant.
Coding change: c.-71-275A>G on transcript NM_001128126.3 (MANE Select); 275 bases into the intron before 71 bases upstream of the start codon, A replaced by G.
Molecular consequence: intron variant.
Genome position (GRCh38, 1-based): chr14:31,065,851, A>G. VCF-style: chr14-31065851-A-G. GRCh37 (hg19) VCF-style: chr14-31535057-A-G.
Other names: c.-71-275A>G (NM_001254729.2, NM_001254727.2, NM_007077.5 and 2 more transcripts).
Identifiers: ClinVar variation 669811 (VCV000669811.1), dbSNP rs36025583, ClinGen allele CA13955674.

ClinVar aggregate classification (germline): Benign (1 of 4 stars; one submission).

Allele frequency attached by ClinVar (database versions not stated): 1000 Genomes Project 0.71605; 1000 Genomes Project 30x 0.71924; TOPMed 0.77109; gnomAD 0.77146 and 0.77688.
gnomAD v4.1: 117,136 of 151,762 alleles (77%); highest among the groups gnomAD compares: Admixed American, 81%; 45,440 homozygotes.

Submission:

GeneDx
Classification: Benign. Last evaluated: 2018-06-14. Review status: criteria provided, single submitter. Criteria: GeneDx Variant Classification (06012015). Collection method: clinical testing. Allele origin: germline. Affected: yes.
Comment: This variant is considered likely benign or benign based on one or more of the following criteria: it is a conservative change, it occurs at a poorly conserved position in the protein, it is predicted to be benign by multiple in silico algorithms, and/or has population frequency not consistent with disease.